The following is an entry in ClinVar:

NM_001018005.2(TPM1):c.283G>C (p.Val95Leu)

Gene: TPM1 (tropomyosin 1; plus strand). Cytogenetic location: 15q22.2.
Variant type: single nucleotide variant.
Coding change: c.283G>C on transcript NM_001018005.2 (MANE Select); coding-DNA position 283, G replaced by C.
Protein change: p.Val95Leu; replaces valine 95 with leucine.
Molecular consequence: missense variant.
Genome position (GRCh38, 1-based): chr15:63,057,027, G>C. VCF-style: chr15-63057027-G-C. GRCh37 (hg19) VCF-style: chr15-63349226-G-C.
Other names: c.283G>C, p.Val95Leu (NM_001365779.1, NM_000366.6, NM_001018004.2 and 6 more transcripts); c.175G>C, p.Val59Leu (NM_001365780.1, NM_001365781.2, NM_001365782.1 and 5 more transcripts); c.409G>C, p.Val137Leu (NM_001365778.1); short protein forms V137L, V59L, V95L.
Identifiers: ClinVar variation 1444779 (VCV001444779.8), dbSNP rs2140907954, ClinGen allele CA392720770.

ClinVar aggregate classification (germline): Uncertain significance (1 of 4 stars; one submission).

Conditions:
Hypertrophic cardiomyopathy. Also called: HYPERTROPHIC MYOCARDIOPATHY. Identifiers: Orphanet 217569, MedGen C0007194, MeSH D002312, MONDO:0005045, HP:0001639.

Submission:

Labcorp Genetics (formerly Invitae), Labcorp
Classification: Uncertain significance for Hypertrophic cardiomyopathy. Last evaluated: 2021-01-08. Review status: criteria provided, single submitter. Criteria: Invitae Variant Classification Sherloc (09022015). Collection method: clinical testing. Allele origin: germline.
Comment: This variant disrupts the p.Val95 amino acid residue in TPM1. Other variant(s) that disrupt this residue have been determined to be pathogenic (PMID: 11136687, 21295541, 21320446, 22187526, 29496559). This suggests that this residue is clinically significant, and that variants that disrupt this residue are likely to be disease-causing. In summary, the available evidence is currently insufficient to determine the role of this variant in disease. Therefore, it has been classified as a Variant of Uncertain Significance. Algorithms developed to predict the effect of missense changes on protein structure and function are either unavailable or do not agree on the potential impact of this missense change (SIFT: "Tolerated"; PolyPhen-2: "Probably Damaging"; Align-GVGD: "Class C0"). This variant has not been reported in the literature in individuals with TPM1-related conditions. This variant is not present in population databases (ExAC no frequency). This sequence change replaces valine with leucine at codon 95 of the TPM1 protein (p.Val95Leu). The valine residue is moderately conserved and there is a small physicochemical difference between valine and leucine.

Literature cited by the submitters: PubMed 11136687; PubMed 21295541; PubMed 21320446; PubMed 22187526; PubMed 29496559.